The following is an entry in ClinVar:

NM_001382391.1(CSPP1):c.2773A>G (p.Arg925Gly)

Gene: CSPP1 (centrosome and spindle pole associated protein 1; plus strand). Cytogenetic location: 8q13.2.
Variant type: single nucleotide variant.
Coding change: c.2773A>G on transcript NM_001382391.1 (MANE Select); coding-DNA position 2773, A replaced by G.
Protein change: p.Arg925Gly; replaces arginine 925 with glycine.
Molecular consequence: missense variant.
Genome position (GRCh38, 1-based): chr8:67,164,453, A>G. VCF-style: chr8-67164453-A-G. GRCh37 (hg19) VCF-style: chr8-68076688-A-G.
Other names: p.R920G; c.1723A>G, p.Arg575Gly (NM_001291339.2); c.2692A>G, p.Arg898Gly (NM_001363131.2); c.2578A>G, p.Arg860Gly (NM_001363132.2); c.2497A>G, p.Arg833Gly (NM_001363133.2); c.2839A>G, p.Arg947Gly (NM_001364869.1); c.2659A>G, p.Arg887Gly (NM_001364870.1); c.2758A>G, p.Arg920Gly (NM_024790.7); short protein forms R947G, R833G, R860G, R575G, R887G, R898G, R920G, R925G.
Identifiers: ClinVar variation 856132 (VCV000856132.9), dbSNP rs772949501, ClinGen allele CA4770938.

ClinVar aggregate classification (germline): Uncertain significance. Review status: criteria provided, multiple submitters, no conflicts (2 of 4 stars). 3 submissions from 3 submitters: Uncertain significance (3). Last evaluated 2025-02-14.

Conditions:
Inborn genetic diseases. Identifiers: MedGen C0950123, MeSH D030342.
Joubert syndrome 21 (JBTS21). Identifiers: MedGen C3810212, MONDO:0014288, OMIM 615636.

Allele frequency attached by ClinVar (database versions not stated): gnomAD exomes below 0.00001 and 0.00001; ExAC 0.00001.
gnomAD v4.1: 7 of 1,608,462 alleles (0.00044%); highest among the groups gnomAD compares: South Asian, 0.0011%; no homozygotes.

Submissions (3):

Ambry Genetics
Classification: Uncertain significance for Inborn genetic diseases. Last evaluated: 2025-02-14. Review status: criteria provided, single submitter. Criteria: Ambry Variant Classification Scheme 2023. Collection method: clinical testing. Allele origin: germline.

Medical Genetics Clinic, University of Catania
Classification: Uncertain significance for Joubert syndrome 21. Last evaluated: 2025-02-11. Review status: criteria provided, single submitter. Criteria: ACMG Guidelines, 2015. Collection method: clinical testing. Allele origin: paternal. Inheritance: Autosomal recessive inheritance. Affected: yes. Observed: 1 compound heterozygote.
Comment: The c.2758A>G variant causes the arginine at amino acid position 920 to be replaced by a glycine (p.R920G). In silico computational software suggest the possibility of a detrimental effect on the structure/activity of the resulting protein (SIFT: "Deleterious"; PolyPhen-2: "Possibly Damaging). This variant has not been reported in the literature in patients with CSPP1-related conditions. Based on insufficient evidence, this variant has been classified as Variant of Uncertain Significance.

Labcorp Genetics (formerly Invitae), Labcorp
Classification: Uncertain significance for Joubert syndrome 21. Last evaluated: 2022-10-13. Review status: criteria provided, single submitter. Criteria: Invitae Variant Classification Sherloc (09022015). Collection method: clinical testing. Allele origin: germline.
Comment: This sequence change replaces arginine, which is basic and polar, with glycine, which is neutral and non-polar, at codon 920 of the CSPP1 protein (p.Arg920Gly). This variant is present in population databases (rs772949501, gnomAD 0.003%). This variant has not been reported in the literature in individuals affected with CSPP1-related conditions. ClinVar contains an entry for this variant (Variation ID: 856132). Algorithms developed to predict the effect of missense changes on protein structure and function are either unavailable or do not agree on the potential impact of this missense change (SIFT: "Deleterious"; PolyPhen-2: "Possibly Damaging"; Align-GVGD: "Class C0"). In summary, the available evidence is currently insufficient to determine the role of this variant in disease. Therefore, it has been classified as a Variant of Uncertain Significance.